The following is an entry in ClinVar:

NM_001367534.1(CAMK2G):c.1223C>T (p.Thr408Ile)

Gene: CAMK2G (calcium/calmodulin dependent protein kinase II gamma; minus strand). Cytogenetic location: 10q22.2.
Variant type: single nucleotide variant.
Coding change: c.1223C>T on transcript NM_001367534.1 (MANE Select); coding-DNA position 1223, C replaced by T.
Protein change: p.Thr408Ile; replaces threonine 408 with isoleucine.
Molecular consequence: missense variant. On other transcripts: non-coding transcript variant (8).
Genome position (GRCh38, 1-based): chr10:73,821,708, G>A on the plus strand (C>T on the coding strand, the complement: CAMK2G is on the minus strand). VCF-style: chr10-73821708-G-A. GRCh37 (hg19) VCF-style: chr10-75581466-G-A.
Other names: c.1127C>T, p.Thr376Ile (NM_001367529.1, NM_001367535.1, NM_001367516.1 and 4 more transcripts); c.1091C>T, p.Thr364Ile (NM_001367530.1, NM_001367518.1, NM_001367519.1 and 1 more transcripts); c.1160C>T, p.Thr387Ile (NM_001367531.1); c.1103C>T, p.Thr368Ile (NM_001367532.1, NM_001367514.1, NM_001367525.1); c.1058C>T, p.Thr353Ile (NM_001367541.1, NM_001222.4, NM_001367528.1 and 1 more transcripts); c.437C>T, p.Thr146Ile (NM_001367542.1); c.1223C>T, p.Thr408Ile (NM_001367543.1); c.1085C>T, p.Thr362Ile (NM_001367533.1, NM_001367520.1, NM_172173.3); and 9 more; short protein forms T131I, T146I, T249I, T294I, T303I, T353I, T362I, T364I.
Identifiers: ClinVar variation 2572782 (VCV002572782.2), dbSNP rs1367245454, ClinGen allele CA377300120.

ClinVar aggregate classification (germline): Uncertain significance (1 of 4 stars; one submission).

Submission:

GeneDx
Classification: Uncertain significance. Last evaluated: 2024-09-06. Review status: criteria provided, single submitter. Criteria: GeneDx Variant Classification Process June 2021. Collection method: clinical testing. Allele origin: germline. Affected: yes.
Comment: Not observed at significant frequency in large population cohorts (gnomAD); In silico analysis supports that this missense variant has a deleterious effect on protein structure/function; Has not been previously published as pathogenic or benign to our knowledge; Variants in candidate genes are classified as variants of uncertain significance in accordance with ACMG guidelines (PMID: 25741868)